The following is an entry in ClinVar:

NM_001164508.2(NEB):c.22153del (p.Val7385fs)

Genes: NEB (nebulin; minus strand), RIF1 (replication timing regulatory factor 1; plus strand). Cytogenetic location: 2q23.3.
Variant type: Deletion.
Coding change: c.22153del on transcript NM_001164508.2 (MANE Select); coding-DNA position 22153, one base deleted (G; older notation c.22153delG).
Protein change: p.Val7385fs; shifts the reading frame from valine 7385.
Molecular consequence: frameshift variant.
Genome position (GRCh38, 1-based): chr2:151,525,966, C deleted on the plus strand (G on the coding strand, the reverse complement: NEB is on the minus strand). VCF-style (leftmost placement, unchanged base first): chr2-151525965-AC-A. GRCh37 (hg19) VCF-style: chr2-152382479-AC-A.
Other names: c.22153del, p.Val7385fs (NM_001164507.2); c.22258del, p.Val7420fs (NM_001271208.2); c.17050del, p.Val5684fs (NM_004543.5); short protein forms V5684fs, V7385fs, V7420fs.
Identifiers: ClinVar variation 1709373 (VCV001709373.2), dbSNP rs2552116499, ClinGen allele CA2580064003.

ClinVar aggregate classification (germline): Likely pathogenic (1 of 4 stars; one submission).

Conditions:
Nemaline myopathy 2 (NEM2). Also called: Nemaline myopathy 2, autosomal recessive. Identifiers: MedGen C1850569, MONDO:0009725, OMIM 256030.

Submission:

MGZ Medical Genetics Center
Classification: Likely pathogenic for Nemaline myopathy 2. Last evaluated: 2022-04-12. Review status: criteria provided, single submitter. Criteria: ACMG Guidelines, 2015. Collection method: clinical testing. Allele origin: germline. Affected: yes. Observed: 2 variant alleles.
Comment: ACMG criteria applied: PVS1, PM2_SUP